The following is an entry in ClinVar:

ClinVar aggregate classification (germline): Uncertain significance (1 of 4 stars; one submission).

Conditions:
Inborn genetic diseases. Identifiers: MedGen C0950123, MeSH D030342.

Submission:

Ambry Genetics
Classification: Uncertain significance for Inborn genetic diseases. Last evaluated: 2026-03-11. Review status: criteria provided, single submitter. Criteria: Ambry Variant Classification Scheme 2023. Collection method: clinical testing. Allele origin: germline.
Comment: The p.V818E variant (also known as c.2453T>A), located in coding exon 26 of the RTEL1 gene, results from a T to A substitution at nucleotide position 2453. The valine at codon 818 is replaced by glutamic acid, an amino acid with dissimilar properties. This amino acid position is conserved. In addition, this alteration is predicted to be tolerated by in silico analysis. Based on the available evidence, the clinical significance of this variant remains unclear.

NM_001283009.2(RTEL1):c.2453T>A (p.Val818Glu)

Genes: RTEL1 (regulator of telomere elongation helicase 1; plus strand), RTEL1-TNFRSF6B (RTEL1-TNFRSF6B readthrough (NMD candidate); plus strand). Cytogenetic location: 20q13.33.
Variant type: single nucleotide variant.
Coding change: c.2453T>A on transcript NM_001283009.2 (MANE Select); coding-DNA position 2453, T replaced by A.
Protein change: p.Val818Glu; replaces valine 818 with glutamic acid.
Molecular consequence: missense variant. On other transcripts: non-coding transcript variant (1).
Genome position (GRCh38, 1-based): chr20:63,690,844, T>A. VCF-style: chr20-63690844-T-A. GRCh37 (hg19) VCF-style: chr20-62322197-T-A.
Other names: c.1784T>A, p.Val595Glu (NM_001283010.1); c.2453T>A, p.Val818Glu (NM_016434.4); c.2525T>A, p.Val842Glu (NM_032957.5); short protein forms V595E, V842E, V818E.
Identifiers: ClinVar variation 4827714 (VCV004827714.1).